The following is an entry in ClinVar:

ClinVar aggregate classification (germline): Likely pathogenic (1 of 4 stars; one submission).

Conditions:
Phenylketonuria (PKU). Also called: FOLLING DISEASE; OLIGOPHRENIA PHENYLPYRUVICA; Phenylketonurias; Phenylketonuria (PKU). Identifiers: Orphanet 716, MedGen C0031485, MONDO:0009861, OMIM 261600. Disease mechanism: loss of function.

Submission:

Natera, Inc.
Classification: Likely pathogenic for Phenylketonuria. Last evaluated: 2026-01-19. Review status: criteria provided, single submitter. Criteria: Natera Variant Classification Schema (03/2026). Collection method: clinical testing. Allele origin: germline.
Comment: The c.298_308del variant in PAH is a frameshift variant predicted to shift the reading frame beginning at codon 100 and leads to a stop codon 5 codons downstream. This variant is expected to result in nonsense mediated decay, truncation, or a dysfunctional protein product. This variant is rare in the general population with a frequency below the threshold expected for the associated phenotype(s). Given the available evidence, this variant is classified as Likely Pathogenic.

NM_000277.3(PAH):c.298_308del (p.His100fs)

Gene: PAH (phenylalanine hydroxylase; minus strand). Cytogenetic location: 12q23.2.
Variant type: Deletion.
Coding change: c.298_308del on transcript NM_000277.3 (MANE Select); coding-DNA positions 298 to 308, 11 bases deleted (CATGACATTGG).
Protein change: p.His100fs; shifts the reading frame from histidine 100.
Molecular consequence: frameshift variant.
Genome position (GRCh38, 1-based): chr12:102,894,779-102,894,789, CCAATGTCATG deleted on the plus strand (CATGACATTGG on the coding strand, the reverse complement: PAH is on the minus strand); deleting any 11 consecutive bases within chr12:102,894,779-102,894,791 gives the same sequence; the c. name uses the placement nearest the transcript's 3' end. VCF-style (leftmost placement, unchanged base first): chr12-102894778-ACCAATGTCATG-A. GRCh37 (hg19) VCF-style: chr12-103288556-ACCAATGTCATG-A.
Other names: c.298_308del, p.His100fs (NM_001354304.2); short protein forms H100fs.
Identifiers: ClinVar variation 4818091 (VCV004818091.1).